The following is an entry in ClinVar:

NC_000016.10:g.88324317_88342586del

Variant type: Deletion.
Identifiers: ClinVar variation 974317 (VCV000974317.1).

ClinVar aggregate classification (germline): Pathogenic (0 of 4 stars; one submission).

Conditions:
Fanconi anemia complementation group A (FANCA). Also called: Fanconi anemia, group A; FANCA-Related Fanconi Anemia. Identifiers: Orphanet 84, MedGen C3469521, MONDO:0009215, OMIM 227650.

Submission:

Leiden Open Variation Database
Classification: Pathogenic for Fanconi anemia complementation group A. Last evaluated: 2020-02-28. Review status: no assertion criteria provided. Collection method: curation. Allele origin: germline. Affected: yes.
Comment: Curator: Arleen D. Auerbach. Submitter to LOVD: Arleen D. Auerbach.

Literature cited by the submitters: PubMed 25168418.